The following is an entry in ClinVar:

NM_206933.4(USH2A):c.10544A>C (p.Asp3515Ala)

Gene: USH2A (usherin; minus strand). Cytogenetic location: 1q41.
Variant type: single nucleotide variant.
Coding change: c.10544A>C on transcript NM_206933.4 (MANE Select); coding-DNA position 10544, A replaced by C.
Protein change: p.Asp3515Ala; replaces aspartic acid 3515 with alanine.
Molecular consequence: missense variant.
Genome position (GRCh38, 1-based): chr1:215,782,779, T>G on the plus strand (A>C on the coding strand, the complement: USH2A is on the minus strand). VCF-style: chr1-215782779-T-G. GRCh37 (hg19) VCF-style: chr1-215956121-T-G.
Other names: short protein forms D3515A.
Identifiers: ClinVar variation 1906062 (VCV001906062.5), dbSNP rs527236119, ClinGen allele CA37437810.

ClinVar aggregate classification (germline): Uncertain significance (1 of 4 stars; one submission).

Allele frequency attached by ClinVar (database versions not stated): gnomAD exomes 0.00001.
gnomAD v4.1: 11 of 1,614,012 alleles (0.00068%); highest among the groups gnomAD compares: Non-Finnish European, 0.00093%; no homozygotes.

Submission:

Labcorp Genetics (formerly Invitae), Labcorp
Classification: Uncertain significance. Last evaluated: 2022-06-12. Review status: criteria provided, single submitter. Criteria: Invitae Variant Classification Sherloc (09022015). Collection method: clinical testing. Allele origin: germline.
Comment: In summary, the available evidence is currently insufficient to determine the role of this variant in disease. Therefore, it has been classified as a Variant of Uncertain Significance. Algorithms developed to predict the effect of missense changes on protein structure and function are either unavailable or do not agree on the potential impact of this missense change (SIFT: "Deleterious"; PolyPhen-2: "Probably Damaging"; Align-GVGD: "Class C0"). This variant has not been reported in the literature in individuals affected with USH2A-related conditions. This variant is not present in population databases (gnomAD no frequency). This sequence change replaces aspartic acid, which is acidic and polar, with alanine, which is neutral and non-polar, at codon 3515 of the USH2A protein (p.Asp3515Ala).